The following is an entry in ClinVar:

NM_001170629.2(CHD8):c.4949C>T (p.Ala1650Val)

Gene: CHD8 (chromodomain helicase DNA binding protein 8; minus strand). Cytogenetic location: 14q11.2.
Variant type: single nucleotide variant.
Coding change: c.4949C>T on transcript NM_001170629.2 (MANE Select); coding-DNA position 4949, C replaced by T.
Protein change: p.Ala1650Val; replaces alanine 1650 with valine.
Molecular consequence: missense variant.
Genome position (GRCh38, 1-based): chr14:21,397,925, G>A on the plus strand (C>T on the coding strand, the complement: CHD8 is on the minus strand). VCF-style: chr14-21397925-G-A. GRCh37 (hg19) VCF-style: chr14-21866084-G-A.
Other names: c.4112C>T, p.Ala1371Val (NM_020920.4); short protein forms A1371V, A1650V.
Identifiers: ClinVar variation 2053362 (VCV002053362.4), dbSNP rs1887859477, ClinGen allele CA388887049.

ClinVar aggregate classification (germline): Uncertain significance (1 of 4 stars; one submission).

Allele frequency attached by ClinVar (database versions not stated): gnomAD exomes below 0.00001; gnomAD 0.00001.
gnomAD v4.1: 7 of 1,610,180 alleles (0.00043%); highest among the groups gnomAD compares: African/African-American, 0.0013%; no homozygotes.

Submission:

Labcorp Genetics (formerly Invitae), Labcorp
Classification: Uncertain significance. Last evaluated: 2023-09-19. Review status: criteria provided, single submitter. Criteria: Invitae Variant Classification Sherloc (09022015). Collection method: clinical testing. Allele origin: germline.
Comment: This variant has not been reported in the literature in individuals affected with CHD8-related conditions. In summary, the available evidence is currently insufficient to determine the role of this variant in disease. Therefore, it has been classified as a Variant of Uncertain Significance. Advanced modeling of protein sequence and biophysical properties (such as structural, functional, and spatial information, amino acid conservation, physicochemical variation, residue mobility, and thermodynamic stability) performed at Invitae indicates that this missense variant is expected to disrupt CHD8 protein function. ClinVar contains an entry for this variant (Variation ID: 2053362). This variant is not present in population databases (gnomAD no frequency). This sequence change replaces alanine, which is neutral and non-polar, with valine, which is neutral and non-polar, at codon 1650 of the CHD8 protein (p.Ala1650Val).